The following is an entry in ClinVar:

NM_006059.4(LAMC3):c.514G>C (p.Gly172Arg)

Gene: LAMC3 (laminin subunit gamma 3; plus strand). Cytogenetic location: 9q34.12.
Variant type: single nucleotide variant.
Coding change: c.514G>C on transcript NM_006059.4 (MANE Select); coding-DNA position 514, G replaced by C.
Protein change: p.Gly172Arg; replaces glycine 172 with arginine.
Molecular consequence: missense variant.
Genome position (GRCh38, 1-based): chr9:131,026,425, G>C. VCF-style: chr9-131026425-G-C. GRCh37 (hg19) VCF-style: chr9-133901812-G-C.
Other names: short protein forms G172R.
Identifiers: ClinVar variation 2662457 (VCV002662457.1), dbSNP rs149767552, ClinGen allele CA375252569.

ClinVar aggregate classification (germline): Uncertain significance (1 of 4 stars; one submission).

gnomAD v4.1: 2 of 1,613,808 alleles (0.00012%); highest among the groups gnomAD compares: African/African-American, 0.0013%; no homozygotes.

Submission:

GeneDx
Classification: Uncertain significance. Last evaluated: 2023-04-05. Review status: criteria provided, single submitter. Criteria: GeneDx Variant Classification Process June 2021. Collection method: clinical testing. Allele origin: germline. Affected: yes.
Comment: Not observed at significant frequency in large population cohorts (gnomAD); In silico analysis supports that this missense variant has a deleterious effect on protein structure/function; Has not been previously published as pathogenic or benign to our knowledge